The following is an entry in ClinVar:

ClinVar aggregate classification (germline): Likely benign. Review status: criteria provided, multiple submitters, no conflicts (2 of 4 stars). 2 submissions from 2 submitters: Likely benign (2). Last evaluated 2025-09-19.

Conditions:
Hereditary spastic paraplegia 11. Also called: SPASTIC PARAPLEGIA, AUTOSOMAL RECESSIVE, COMPLICATED, WITH THIN CORPUS CALLOSUM; SPASTIC PARAPLEGIA, AUTOSOMAL RECESSIVE, WITH MENTAL IMPAIRMENT AND THIN CORPUS CALLOSUM; Spastic Paraplegia 11; Nakamura Osame syndrome; Autosomal recessive hereditary spastic paraplegia, mental impairment, and thin corpus callosum; Spastic paraplegia, mental retardation and thin corpus callosum. Identifiers: Orphanet 2822, MedGen C1858479, MONDO:0011445, OMIM 604360.

Allele frequency attached by ClinVar (database versions not stated): ExAC 0.00002; TOPMed 0.00002; gnomAD 0.00003; gnomAD exomes 0.00005.
gnomAD v4.1: 73 of 1,606,470 alleles (0.0045%); highest among the groups gnomAD compares: Non-Finnish European, 0.0059%; no homozygotes.

Submissions (2):

Mayo Clinic Laboratories, Mayo Clinic
Classification: Likely benign. Last evaluated: 2025-09-19. Review status: criteria provided, single submitter. Criteria: ACMG Guidelines, 2015. Collection method: clinical testing. Allele origin: germline. Observed: 2 variant alleles.
Comment: BP4, BP7

Labcorp Genetics (formerly Invitae), Labcorp
Classification: Likely benign for Hereditary spastic paraplegia 11. Last evaluated: 2025-09-14. Review status: criteria provided, single submitter. Criteria: Invitae Variant Classification Sherloc (09022015). Collection method: clinical testing. Allele origin: germline.

NM_025137.4(SPG11):c.4001+7G>A

Gene: SPG11 (SPG11 vesicle trafficking associated, spatacsin; minus strand). Cytogenetic location: 15q21.1.
Variant type: single nucleotide variant.
Coding change: c.4001+7G>A on transcript NM_025137.4 (MANE Select); 7 bases into the intron after coding-DNA position 4001, G replaced by A.
Molecular consequence: intron variant.
Genome position (GRCh38, 1-based): chr15:44,598,258, C>T on the plus strand (G>A on the coding strand, the complement: SPG11 is on the minus strand). VCF-style: chr15-44598258-C-T. GRCh37 (hg19) VCF-style: chr15-44890456-C-T.
Other names: p.?; c.4001+7G>A (NM_001160227.2).
Identifiers: ClinVar variation 2146552 (VCV002146552.5), dbSNP rs746030085, ClinGen allele CA7534798.
Genomic context (GRCh38, chr15:44,598,258, plus strand): 5'-AACTAGGCAAACACAGGTTGGCACAATAAGCTTGTTAGAAAAGAGGCTGAGACTGCAACT[C>T]ACAAACCTCTTTATTTCCTGTTGCTGAATGCTGTTCCATGTACCTTCTTCTAAGAGAACA-3'